The following is an entry in ClinVar:

ClinVar aggregate classification (germline): Uncertain significance (1 of 4 stars; one submission).

Submission:

CeGaT Center for Human Genetics Tuebingen
Classification: Uncertain significance. Last evaluated: 2026-03-01. Review status: criteria provided, single submitter. Criteria: CeGaT Center For Human Genetics Tuebingen Variant Classification Criteria Version 2. Collection method: clinical testing. Allele origin: germline. Affected: yes. Observed: 1 variant allele.
Comment: TRAF7: PM2, PM1:Supporting, PP3

NM_032271.3(TRAF7):c.1238G>A (p.Ser413Asn)

Gene: TRAF7 (TNF receptor associated factor 7; plus strand). Cytogenetic location: 16p13.3.
Variant type: single nucleotide variant.
Coding change: c.1238G>A on transcript NM_032271.3 (MANE Select); coding-DNA position 1238, G replaced by A.
Protein change: p.Ser413Asn; replaces serine 413 with asparagine.
Molecular consequence: missense variant.
Genome position (GRCh38, 1-based): chr16:2,174,023, G>A. VCF-style: chr16-2174023-G-A. GRCh37 (hg19) VCF-style: chr16-2224024-G-A.
Other names: short protein forms S413N.
Identifiers: ClinVar variation 4823537 (VCV004823537.4).